The following is an entry in ClinVar:

NM_000169.3(GLA):c.838C>A (p.Gln280Lys)

Genes: GLA (galactosidase alpha; minus strand), RPL36A-HNRNPH2 (RPL36A-HNRNPH2 readthrough; plus strand). Cytogenetic location: Xq22.1.
Variant type: single nucleotide variant.
Coding change: c.838C>A on transcript NM_000169.3 (MANE Select); coding-DNA position 838, C replaced by A.
Protein change: p.Gln280Lys; replaces glutamine 280 with lysine.
Molecular consequence: missense variant. On other transcripts: non-coding transcript variant (3), intron variant (2).
Genome position (GRCh38, 1-based): chrX:101,398,531, G>T on the plus strand (C>A on the coding strand, the complement: GLA is on the minus strand). VCF-style: chrX-101398531-G-T. GRCh37 (hg19) VCF-style: chrX-100653519-G-T.
Other names: c.961C>A, p.Gln321Lys (NM_001406747.1); c.838C>A, p.Gln280Lys (NM_001406748.1); c.300+3074G>T (NM_001199973.2); c.177+6709G>T (NM_001199974.2); short protein forms Q280K, Q321K.
Identifiers: ClinVar variation 4087544 (VCV004087544.2).
Genomic context (GRCh38, chrX:101,398,531, plus strand): 5'-GGTCATTAGACATGAATAAAGGAGCAGCCATGATAGCCCAGAGGGCCATCTGAGTTACTT[G>T]CTGATTCCAGCTGAGGCCAAAGTTGCCAATCACTAACTGAGAAAAAGAATGAAATAATTC-3'
Protein context (NP_000160.1, residues 270-290): IGNFGLSWNQ[Gln280Lys]VTQMALWAIM

ClinVar aggregate classification (germline): Likely pathogenic (1 of 4 stars; one submission).

Conditions:
Fabry disease. Also called: ALPHA-GALACTOSIDASE A DEFICIENCY; ANDERSON-FABRY DISEASE; CERAMIDE TRIHEXOSIDASE DEFICIENCY; GLA DEFICIENCY; HEREDITARY DYSTOPIC LIPIDOSIS; Angiokeratoma corporis diffusum. Identifiers: Orphanet 324, MedGen C0002986, MONDO:0010526, OMIM 301500, HP:0001071. Disease mechanism: Fabry disease is due to inactivating mutations in the X-linked GLA gene resulting in deficiency of the enzyme Alpha Galactosidase-A., loss of function.

Submission:

Genomenon, Inc
Classification: Likely pathogenic for Fabry disease. Last evaluated: 2026-09-08. Review status: criteria provided, single submitter. Criteria: Genomenon Sequence Variant Interpretation Standards - Updated. Collection method: curation. Allele origin: germline. Affected: yes.
Comment: GLA p.Gln280Lys (c.838C>A) is a missense variant that changes the amino acid at codon 280 from Glutamine to Lysine. This variant has been observed in at least one proband with clinical features consistent with Fabry disease (PMID:17619837;18651238;20628902;17040996). The variant was found to segregate with disease in at least one affected family (PMID:17619837). Functional or patient cell studies have been reported (PMID:24386359;36674610;18351385;27788225;22004918;18651238;35563496;24361605;20628902;27657681;17040996). It is absent or not present at a significant frequency in gnomAD. In silico models predict that this variant is possibly or probably damaging. In conclusion, we classify GLA p.Gln280Lys (c.838C>A) as a likely pathogenic variant.

Literature cited by the submitters: PubMed 17619837; PubMed 18651238; PubMed 20628902; PubMed 17040996; PubMed 24386359; PubMed 36674610; PubMed 18351385; PubMed 27788225; PubMed 22004918; PubMed 35563496; PubMed 24361605; PubMed 27657681.